The following is an entry in ClinVar:

NM_001735.3(C5):c.1481A>G (p.Asp494Gly)

Gene: C5 (complement C5; minus strand). Cytogenetic location: 9q33.2.
Variant type: single nucleotide variant.
Coding change: c.1481A>G on transcript NM_001735.3 (MANE Select); coding-DNA position 1481, A replaced by G.
Protein change: p.Asp494Gly; replaces aspartic acid 494 with glycine.
Molecular consequence: missense variant.
Genome position (GRCh38, 1-based): chr9:121,020,001, T>C on the plus strand (A>G on the coding strand, the complement: C5 is on the minus strand). VCF-style: chr9-121020001-T-C. GRCh37 (hg19) VCF-style: chr9-123782279-T-C.
Other names: c.1499A>G, p.Asp500Gly (NM_001317163.2); c.1481A>G, p.Asp494Gly (NM_001317164.2); c.1481A>G (NM_001735.2); short protein forms D494G, D500G.
Identifiers: ClinVar variation 1438324 (VCV001438324.9), dbSNP rs373646644, ClinGen allele CA199384482.

ClinVar aggregate classification (germline): Uncertain significance. Review status: criteria provided, multiple submitters, no conflicts (2 of 4 stars). 3 submissions from 3 submitters: Uncertain significance (3). Last evaluated 2025-09-22.

Conditions:
Eculizumab, poor response to. Identifiers: MedGen C3810402, OMIM 615749.
Complement component 5 deficiency. Also called: C5 DEFICIENCY. Identifiers: MedGen C0343047, MONDO:0012295, OMIM 609536.

Allele frequency attached by ClinVar (database versions not stated): gnomAD 0.00005 and 0.00006; ESP Exome Variant Server 0.00015; gnomAD exomes 0.00004; TOPMed 0.00010.
gnomAD v4.1: 24 of 1,607,006 alleles (0.0015%); highest among the groups gnomAD compares: African/African-American, 0.016%; no homozygotes.

Submissions (3):

Ambry Genetics
Classification: Uncertain significance. Last evaluated: 2025-09-22. Review status: criteria provided, single submitter. Criteria: Ambry Variant Classification Scheme 2023. Collection method: clinical testing. Allele origin: germline.

Labcorp Genetics (formerly Invitae), Labcorp
Classification: Uncertain significance. Last evaluated: 2022-11-22. Review status: criteria provided, single submitter. Criteria: Invitae Variant Classification Sherloc (09022015). Collection method: clinical testing. Allele origin: germline.
Comment: In summary, the available evidence is currently insufficient to determine the role of this variant in disease. Therefore, it has been classified as a Variant of Uncertain Significance. Advanced modeling of protein sequence and biophysical properties (such as structural, functional, and spatial information, amino acid conservation, physicochemical variation, residue mobility, and thermodynamic stability) performed at Invitae indicates that this missense variant is not expected to disrupt C5 protein function. ClinVar contains an entry for this variant (Variation ID: 1438324). This variant has not been reported in the literature in individuals affected with C5-related conditions. This variant is present in population databases (rs373646644, gnomAD 0.03%). This sequence change replaces aspartic acid, which is acidic and polar, with glycine, which is neutral and non-polar, at codon 494 of the C5 protein (p.Asp494Gly).

Fulgent Genetics
Classification: Uncertain significance for Complement component 5 deficiency; Eculizumab, poor response to. Last evaluated: 2022-05-10. Review status: criteria provided, single submitter. Criteria: ACMG Guidelines, 2015. Collection method: clinical testing. Allele origin: unknown.